The following is an entry in ClinVar:

ClinVar aggregate classification (germline): Conflicting classifications of pathogenicity. Review status: criteria provided, conflicting classifications (1 of 4 stars). 12 submissions from 12 submitters: Uncertain significance (1); Benign (5); Likely benign (4). 2 of the submissions do not count toward it. Last evaluated 2026-09-01.

Conditions:
Spermatogenic failure 28. Identifiers: MedGen C4748117, MONDO:0054732, OMIM 618086.
Hereditary cancer-predisposing syndrome. Also called: Hereditary neoplastic syndrome; Hereditary Cancer Syndrome; Neoplastic Syndromes, Hereditary; Tumor predisposition. Identifiers: Orphanet 140162, MedGen C0027672, MeSH D009386, MONDO:0015356.
Fanconi anemia (FA). Also called: Fanconi's anemia. Identifiers: Orphanet 84, MedGen C0015625, MeSH D005199, MONDO:0019391.

Allele frequency attached by ClinVar (database versions not stated): gnomAD exomes 0.00864 and 0.01101; ESP Exome Variant Server 0.01069; 1000 Genomes Project 30x 0.00344; 1000 Genomes Project 0.00379; gnomAD 0.00811 and 0.00824; TOPMed 0.00835; ExAC 0.00840.
gnomAD v4.1: 17,290 of 1,614,072 alleles (1.1%); highest among the groups gnomAD compares: Middle Eastern, 1.5%; 118 homozygotes.

Submissions (12):

CeGaT Center for Human Genetics Tuebingen
Classification: Benign. Last evaluated: 2026-09-01. Review status: criteria provided, single submitter. Criteria: CeGaT Center For Human Genetics Tuebingen Variant Classification Criteria Version 2. Collection method: clinical testing. Allele origin: germline. Affected: yes. Observed: 145 variant alleles.
Comment: FANCM: BP4, BS1, BS2

Labcorp Genetics (formerly Invitae), Labcorp
Classification: Benign for Fanconi anemia. Last evaluated: 2026-02-02. Review status: criteria provided, single submitter. Criteria: Invitae Variant Classification Sherloc (09022015). Collection method: clinical testing. Allele origin: germline.

Mayo Clinic Laboratories, Mayo Clinic
Classification: Likely benign. Last evaluated: 2025-09-29. Review status: criteria provided, single submitter. Criteria: ACMG Guidelines, 2015. Collection method: clinical testing. Allele origin: germline. Observed: 1 variant allele.
Comment: BS1, BP4_moderate

Quest Diagnostics Nichols Institute San Juan Capistrano
Classification: Benign. Last evaluated: 2025-05-02. Review status: criteria provided, single submitter. Criteria: Quest Diagnostics criteria. Collection method: clinical testing. Allele origin: unknown.

Dasa
Classification: Likely benign. Last evaluated: 2024-12-14. Review status: criteria provided, single submitter. Criteria: DASA Assertion Criteria. Collection method: clinical testing. Allele origin: germline.
Comment: NM_020937.4(FANCM):c.5224A>G (p.Ile1742Val) is a missense variant that results in the substitution of isoleucine with valine. Population frequency is inconsistent with a disease-causing role for this variant. Computational prediction algorithms are consistent with a benign effect. Therefore, based on the currently available evidence, this variant is classified as likely benign.

Blueprint Genetics
Classification: Likely benign. Last evaluated: 2024-11-26. Review status: criteria provided, single submitter. Criteria: ACMG Guidelines, 2015. Collection method: clinical testing. Allele origin: germline.

GeneDx
Classification: Likely benign. Last evaluated: 2021-03-23. Review status: criteria provided, single submitter. Criteria: GeneDx Variant Classification Process June 2021. Collection method: clinical testing. Allele origin: germline. Affected: yes.
Comment: This variant is associated with the following publications: (PMID: 29351780, 28202063)

Sema4
Classification: Benign for Hereditary cancer-predisposing syndrome. Last evaluated: 2020-02-24. Review status: criteria provided, single submitter. Criteria: Sema4 Curation Guidelines. Collection method: curation. Allele origin: germline.

Baylor Genetics
Classification: Uncertain significance for Spermatogenic failure 28. Last evaluated: 2019-07-24. Review status: criteria provided, single submitter. Criteria: ACMG Guidelines, 2015. Collection method: clinical testing. Allele origin: unknown. Affected: yes.
Comment: This variant was determined to be of uncertain significance according to ACMG Guidelines, 2015 [PMID:25741868].

PreventionGenetics, part of Exact Sciences
Classification: Benign. Review status: criteria provided, single submitter. Criteria: ACMG Guidelines, 2015. Collection method: clinical testing. Allele origin: germline.

Genome Diagnostics Laboratory, Amsterdam University Medical Center
Classification: Benign. Review status: no assertion criteria provided. Collection method: clinical testing. Allele origin: germline. Affected: yes. Study: VKGL Data-share Consensus. Not counted in ClinVar's aggregate classification.

Laboratory of Diagnostic Genome Analysis, Leiden University Medical Center (LUMC)
Classification: Likely benign. Review status: no assertion criteria provided. Collection method: clinical testing. Allele origin: germline. Affected: yes. Study: VKGL Data-share Consensus. Not counted in ClinVar's aggregate classification.

NM_020937.4(FANCM):c.5224A>G (p.Ile1742Val)

Gene: FANCM (FA complementation group M; plus strand). Cytogenetic location: 14q21.2.
Variant type: single nucleotide variant.
Coding change: c.5224A>G on transcript NM_020937.4 (MANE Select); coding-DNA position 5224, A replaced by G.
Protein change: p.Ile1742Val; replaces isoleucine 1742 with valine.
Molecular consequence: missense variant.
Genome position (GRCh38, 1-based): chr14:45,189,246, A>G. VCF-style: chr14-45189246-A-G. GRCh37 (hg19) VCF-style: chr14-45658449-A-G.
Other names: p.Ile1742Val; c.5146A>G, p.Ile1716Val (NM_001308133.2); c.5224A>G (LRG_502t1); short protein forms I1742V, I1716V.
Identifiers: ClinVar variation 241324 (VCV000241324.66), dbSNP rs143662421, ClinGen allele CA7169934.